The following is an entry in ClinVar:

ClinVar aggregate classification (germline): Uncertain significance (1 of 4 stars; one submission).

Conditions:
Combined immunodeficiency due to STK4 deficiency (IMD110). Also called: T-cell immunodeficiency, recurrent infections, and autoimmunity with or without cardiac malformations; STK4 DEFICIENCY; MST1 DEFICIENCY. Identifiers: Orphanet 314689, MedGen C3553943, MONDO:0013934, OMIM 614868.

Allele frequency attached by ClinVar (database versions not stated): gnomAD exomes below 0.00001; TOPMed below 0.00001; ExAC 0.00001; gnomAD 0.00001.
gnomAD v4.1: 8 of 1,614,132 alleles (0.0005%); highest among the groups gnomAD compares: Middle Eastern, 0.033%; no homozygotes.

Submission:

Labcorp Genetics (formerly Invitae), Labcorp
Classification: Uncertain significance for Combined immunodeficiency due to STK4 deficiency. Last evaluated: 2020-01-26. Review status: criteria provided, single submitter. Criteria: Invitae Variant Classification Sherloc (09022015). Collection method: clinical testing. Allele origin: germline.
Comment: This sequence change replaces arginine with glutamine at codon 470 of the STK4 protein (p.Arg470Gln). The arginine residue is highly conserved and there is a small physicochemical difference between arginine and glutamine. This variant is present in population databases (rs200190272, ExAC 0.002%). This variant has not been reported in the literature in individuals with STK4-related conditions. Algorithms developed to predict the effect of missense changes on protein structure and function are either unavailable or do not agree on the potential impact of this missense change (SIFT: "Not Available"; PolyPhen-2: "Possibly Damaging"; Align-GVGD: "Not Available"). In summary, the available evidence is currently insufficient to determine the role of this variant in disease. Therefore, it has been classified as a Variant of Uncertain Significance.

NM_006282.5(STK4):c.1409G>A (p.Arg470Gln)

Gene: STK4 (serine/threonine kinase 4; plus strand). Cytogenetic location: 20q13.12.
Variant type: single nucleotide variant.
Coding change: c.1409G>A on transcript NM_006282.5 (MANE Select); coding-DNA position 1409, G replaced by A.
Protein change: p.Arg470Gln; replaces arginine 470 with glutamine.
Molecular consequence: missense variant. On other transcripts: 3 prime UTR variant (1).
Genome position (GRCh38, 1-based): chr20:45,075,121, G>A. VCF-style: chr20-45075121-G-A. GRCh37 (hg19) VCF-style: chr20-43703762-G-A.
Other names: c.*115G>A (NM_001352385.2); short protein forms R470Q.
Identifiers: ClinVar variation 1037245 (VCV001037245.7), dbSNP rs200190272, ClinGen allele CA9874083.